The following is an entry in ClinVar:

NM_032790.4(ORAI1):c.141_142insCCGCCGCCGCAGCGGGGACGGGGAGCCCCCGGGGGCC (p.Ser48Profs)

Genes: ORAI1 (ORAI calcium release-activated calcium modulator 1; plus strand), LOC130008987 (ATAC-STARR-seq lymphoblastoid silent region 4981; plus strand). Cytogenetic location: 12q24.31.
Variant type: Insertion.
Coding change: c.141_142insCCGCCGCCGCAGCGGGGACGGGGAGCCCCCGGGGGCC on transcript NM_032790.4 (MANE Select); coding-DNA positions 141 to 142, CCGCCGCCGCAGCGGGGACGGGGAGCCCCCGGGGGCC inserted.
Protein change: p.Ser48Profs; shifts the reading frame from serine 48.
Genome position: GRCh38: chr12:121,626,888-121,626,889. GRCh37 (hg19): chr12:122,064,794-122,064,795.
Other names: short protein forms S48fs.
Identifiers: ClinVar variation 470188 (VCV000470188.1), dbSNP rs1555322558, ClinGen allele CA658658174.

ClinVar aggregate classification (germline): Pathogenic (1 of 4 stars; one submission).

Conditions:
Combined immunodeficiency due to ORAI1 deficiency. Also called: IMMUNODEFICIENCY 9. Identifiers: Orphanet 169090, Orphanet 317428, MedGen C2748568, MONDO:0013007, OMIM 612782.

Submission:

Labcorp Genetics (formerly Invitae), Labcorp
Classification: Pathogenic for Combined immunodeficiency due to ORAI1 deficiency. Last evaluated: 2017-07-21. Review status: criteria provided, single submitter. Criteria: Invitae Variant Classification Sherloc (09022015). Collection method: clinical testing. Allele origin: germline.
Comment: This sequence change results in a premature translational stop signal in the ORAI1 gene (p.Ser48Glnfs*52). While this is not anticipated to result in nonsense mediated decay, it is expected to disrupt the last 254 amino acids (>80%) of the ORAI1 protein. This variant is not present in population databases (ExAC no frequency) and has not been reported in the literature in individuals with an ORAI1-related disease. Loss-of function variants in ORAI1 are known to be causative of autosomal recessive ORAI1 deficiency. Truncating variants downstream of this variant (p.Ala88serfs*25, p.His165Profs*2, p.Arg268*) have been reported in homozygous and compound heterozygous individuals with ORAI1 deficiency and determined to be pathogenic (PMID: 26070885, 20004786, 27063589). This suggests that deletion of the C-terminal region of the ORAI1 protein is causative of disease. In summary, this is a novel insertion that leads to the disruption of most of the ORAI1 protein sequence, and truncating variants downstream from this variant have been shown to be deleterious. Therefore, it has been classified as Pathogenic.